The following is an entry in ClinVar:

ClinVar aggregate classification (germline): Likely benign. Review status: criteria provided, multiple submitters, no conflicts (2 of 4 stars). 3 submissions from 3 submitters: Likely benign (3). Last evaluated 2024-07-20.

Conditions:
BRCA1-related cancer predisposition. Identifiers: MedGen CN377757, MONDO:0700268.
Hereditary breast ovarian cancer syndrome. Also called: Hereditary breast and ovarian cancer; Hereditary breast and ovarian cancer syndrome; Breast and ovarian cancer; Hereditary breast and ovarian cancer syndrome (HBOC); Hereditary breast and/or ovarian cancer syndrome; BRCA1- and BRCA2-Associated Hereditary Breast and Ovarian Cancer. Identifiers: Orphanet 145, MedGen C0677776, MeSH D061325, MONDO:0003582. Disease mechanism: loss of function.
Hereditary cancer-predisposing syndrome. Also called: Tumor predisposition; Hereditary neoplastic syndrome; Hereditary Cancer Syndrome; Neoplastic Syndromes, Hereditary. Identifiers: Orphanet 140162, MedGen C0027672, MeSH D009386, MONDO:0015356.

Allele frequency attached by ClinVar (database versions not stated): gnomAD exomes below 0.00001.
gnomAD v4.1: 1 of 1,613,942 alleles (0.000062%); highest among the groups gnomAD compares: Non-Finnish European, 0.000085%; no homozygotes.

Submissions (3):

All of Us Research Program, National Institutes of Health
Classification: Likely benign for BRCA1-related cancer predisposition. Last evaluated: 2024-07-20. Review status: criteria provided, single submitter. Criteria: ACMG Guidelines, 2015. Collection method: clinical testing. Allele origin: germline. Inheritance: Autosomal dominant inheritance. Observed: 1 variant allele, 1 heterozygote.
Comment: This study involves interpretation of variants in research participants for the purpose of population health screening. Participant phenotype was not available at the time of variant classification. Additional details can be found in publication PMID: 35346344, PMCID: PMC8962531

Ambry Genetics
Classification: Likely benign for Hereditary cancer-predisposing syndrome. Last evaluated: 2020-10-19. Review status: criteria provided, single submitter. Criteria: Ambry Variant Classification Scheme 2023. Collection method: clinical testing. Allele origin: germline.

Labcorp Genetics (formerly Invitae), Labcorp
Classification: Likely benign for Hereditary breast ovarian cancer syndrome. Last evaluated: 2018-10-13. Review status: criteria provided, single submitter. Criteria: Invitae Variant Classification Sherloc (09022015). Collection method: clinical testing. Allele origin: germline.

NM_007294.4(BRCA1):c.1989C>T (p.Ser663=)

Gene: BRCA1 (BRCA1 DNA repair associated; minus strand). Cytogenetic location: 17q21.31.
Variant type: single nucleotide variant.
Coding change: c.1989C>T on transcript NM_007294.4 (MANE Select); coding-DNA position 1989, C replaced by T.
Protein change: p.Ser663=; no amino-acid change (serine 663 retained).
Molecular consequence: synonymous variant. On other transcripts: intron variant (137).
Genome position (GRCh38, 1-based): chr17:43,093,542, G>A on the plus strand (C>T on the coding strand, the complement: BRCA1 is on the minus strand). VCF-style: chr17-43093542-G-A. GRCh37 (hg19) VCF-style: chr17-41245559-G-A.
Other names: c.1980C>T, p.Ser660= (NM_001407646.1, NM_001407647.1); c.1866C>T, p.Ser622= (NM_001407648.1, NM_001407666.1, NM_001407667.1 and 19 more transcripts); c.1908C>T, p.Ser636= (NM_001407661.1, NM_001407662.1, NM_001407659.1 and 1 more transcripts); c.1911C>T, p.Ser637= (NM_001407663.1, NM_001407655.1, NM_001407656.1 and 4 more transcripts); c.1863C>T, p.Ser621= (NM_001407670.1, NM_001407671.1, NM_001407672.1 and 11 more transcripts); c.1989C>T, p.Ser663= (NM_001407652.1, NM_001407581.1, NM_001407582.1 and 30 more transcripts); c.1776C>T, p.Ser592= (NM_001407571.1, NM_001407853.1, NM_001407894.1 and 9 more transcripts); c.1986C>T, p.Ser662= (NM_001407587.1, NM_001407590.1, NM_001407591.1 and 22 more transcripts); and 40 more.
Identifiers: ClinVar variation 792410 (VCV000792410.15), dbSNP rs1597872888, ClinGen allele CA500233155.